The following is an entry in ClinVar:

ClinVar aggregate classification (germline): Uncertain significance. Review status: criteria provided, multiple submitters, no conflicts (2 of 4 stars). 3 submissions from 3 submitters: Uncertain significance (3). Last evaluated 2025-06-09.

Conditions:
Wilson disease (WND). Also called: Wilson's disease. Identifiers: Orphanet 905, MedGen C0019202, MONDO:0010200, OMIM 277900. Disease mechanism: loss of function.

Allele frequency attached by ClinVar (database versions not stated): gnomAD 0.00001.
gnomAD v4.1: 6 of 1,613,980 alleles (0.00037%); highest among the groups gnomAD compares: Non-Finnish European, 0.00042%; no homozygotes.

Submissions (3):

Color Diagnostics, LLC DBA Color Health
Classification: Uncertain significance for Wilson disease. Last evaluated: 2025-06-09. Review status: criteria provided, single submitter. Criteria: ACMG Guidelines, 2015. Collection method: clinical testing. Allele origin: germline.
Comment: This missense variant replaces arginine with proline at codon 1151 of the ATP7B protein. Computational prediction suggests that this variant may have deleterious impact on protein structure and function. To our knowledge, functional studies have not been reported for this variant. This variant has not been reported in individuals affected with ATP7B-related disorders in the literature. This variant has been identified in 1/249588 chromosomes in the general population by the Genome Aggregation Database (gnomAD). The available evidence is insufficient to determine the role of this variant in disease conclusively. Therefore, this variant is classified as a Variant of Uncertain Significance.

Fulgent Genetics
Classification: Uncertain significance for Wilson disease. Last evaluated: 2022-04-11. Review status: criteria provided, single submitter. Criteria: ACMG Guidelines, 2015. Collection method: clinical testing. Allele origin: unknown.

ARUP Laboratories, Molecular Genetics and Genomics, ARUP Laboratories
Classification: Uncertain significance for Wilson disease. Last evaluated: 2022-02-10. Review status: criteria provided, single submitter. Criteria: ARUP Molecular Germline Variant Investigation Process 2021. Collection method: clinical testing. Allele origin: germline.
Comment: The ATP7B c.3452G>C; p.Arg1151Pro variant (rs377297166), to our knowledge, is not reported in the medical literature or gene specific databases. This variant is only observed on one allele in the Genome Aggregation Database, indicating it is not a common polymorphism. Additionally, another variant at this codon (c.3451C>T, p.Arg1151Cys) has been reported in individuals with Wilson disease and is considered likely pathogenic (Lee 2011, Lepori 2007); however this variant creates a cysteine which are involved in heavy metal binding (Forbes 1999). The arginine at codon 1151 is moderately conserved, and computational analyses predict that this variant is deleterious (REVEL: 0.894). However, given the lack of clinical and functional data, the significance of the p.Arg1151Pro variant is uncertain at this time. References: Forbes JR et al. Role of the copper-binding domain in the copper transport function of ATP7B, the P-type ATPase defective in Wilson disease. J Biol Chem. 1999 Apr 30;274(18):12408-13. PMID: 10212214. Lee BH et al. Distinct clinical courses according to presenting phenotypes and their correlations to ATP7B mutations in a large Wilson's disease cohort. Liver Int. 2011 Jul;31(6):831-9. Liver Int. 2011 Sep;31(8):1242. PMID: 21645214. Lepori MB et al. Twenty-four novel mutations in Wilson disease patients of predominantly Italian origin. Genet Test. 2007 Fall;11(3):328-32. PMID: 17949296.

NM_000053.4(ATP7B):c.3452G>C (p.Arg1151Pro)

Gene: ATP7B (ATPase copper transporting beta; minus strand). Cytogenetic location: 13q14.3.
Variant type: single nucleotide variant.
Coding change: c.3452G>C on transcript NM_000053.4 (MANE Select); coding-DNA position 3452, G replaced by C.
Protein change: p.Arg1151Pro; replaces arginine 1151 with proline.
Molecular consequence: missense variant.
Genome position (GRCh38, 1-based): chr13:51,941,185, C>G on the plus strand (G>C on the coding strand, the complement: ATP7B is on the minus strand). VCF-style: chr13-51941185-C-G. GRCh37 (hg19) VCF-style: chr13-52515321-C-G.
Other names: c.2831G>C, p.Arg944Pro (NM_001005918.3); c.3119G>C, p.Arg1040Pro (NM_001243182.2); c.3218G>C, p.Arg1073Pro (NM_001330578.2); c.3200G>C, p.Arg1067Pro (NM_001330579.2); short protein forms R1040P, R1067P, R1073P, R1151P, R944P.
Identifiers: ClinVar variation 1679504 (VCV001679504.9), dbSNP rs377297166, ClinGen allele CA388026612.
Genomic context (GRCh38, chr13:51,941,185, plus strand): 5'-TCTGTCATAGCGTCACTGACATCGCTAGAAATGGTTAAACCGTTGCGCCTCAGCCACTCA[C>G]GGTTTCCAATCAGCACAGAGAAGGTCTGGGGGACTGCATCTATTCAAAAGAGGCTGTGGT-3'
Protein context (NP_000044.2, residues 1141-1161): PQTFSVLIGN[Arg1151Pro]EWLRRNGLTI